The following is an entry in ClinVar:

NM_000337.6(SGCD):c.213G>A (p.Arg71=)

Gene: SGCD (sarcoglycan delta; plus strand). Cytogenetic location: 5q33.3.
Variant type: single nucleotide variant.
Coding change: c.213G>A on transcript NM_000337.6 (MANE Select); coding-DNA position 213, G replaced by A.
Protein change: p.Arg71=; no amino-acid change (arginine 71 retained).
Molecular consequence: synonymous variant.
Genome position (GRCh38, 1-based): chr5:156,508,621, G>A. VCF-style: chr5-156508621-G-A. GRCh37 (hg19) VCF-style: chr5-155935631-G-A.
Other names: p.Arg71=; c.213G>A (NM_000337.4); c.210G>A, p.Arg70= (NM_001128209.2); c.213G>A, p.Arg71= (NM_172244.3).
Identifiers: ClinVar variation 48116 (VCV000048116.61), dbSNP rs74846539, ClinGen allele CA142621.
Genomic context (GRCh38, chr5:156,508,621, plus strand): 5'-CTAATCATATCTTCCTTGTTATCTCTGTGTTCTATTTCAGGATGGAATGGGAAACCTGAG[G>A]ATCACAGAAAAAGGTCTAAAGCTAGAAGGAGACTCTGAATTCTTACAACCTCTCTACGCC-3'
Protein context (NP_000328.2, residues 61-81): NFTIDGMGNL[Arg71=]ITEKGLKLEG

ClinVar aggregate classification (germline): Conflicting classifications of pathogenicity. Review status: criteria provided, conflicting classifications (1 of 4 stars). 17 submissions from 17 submitters: Uncertain significance (2); Benign (5); Likely benign (7). 3 of the submissions do not count toward it. Last evaluated 2026-09-01.

Conditions:
Inborn genetic diseases. Identifiers: MedGen C0950123, MeSH D030342.
Qualitative or quantitative defects of delta-sarcoglycan. Identifiers: Orphanet 207070, MedGen C5680806, MONDO:0016144.
Cardiomyopathy (CMYO). Also called: Cardiomyopathies. Identifiers: Orphanet 167848, MedGen C0878544, MONDO:0004994, HP:0001638. Inheritance: Various modes of inheritance.
Autosomal recessive limb-girdle muscular dystrophy type 2F (LGMDR6). Also called: MUSCULAR DYSTROPHY, LIMB-GIRDLE, AUTOSOMAL RECESSIVE 6; Muscular dystrophy limb-girdle with delta-sarcoglyan deficiency. Identifiers: Orphanet 219, MedGen C1832525, MONDO:0011028, OMIM 601287. Disease mechanism: Affects gamma-sarcoglycan and also disrupts the integrity of the entire sarcoglycan complex..

Allele frequency attached by ClinVar (database versions not stated): gnomAD exomes 0.00119 and 0.00191; 1000 Genomes Project 0.00140; ExAC 0.00100; ESP Exome Variant Server 0.00152; 1000 Genomes Project 30x 0.00156; gnomAD 0.00115 and 0.00121; TOPMed 0.00125.
gnomAD v4.1: 2,947 of 1,610,140 alleles (0.18%); highest among the groups gnomAD compares: Non-Finnish European, 0.23%; 4 homozygotes.

Submissions (17):

CeGaT Center for Human Genetics Tuebingen
Classification: Likely benign. Last evaluated: 2026-09-01. Review status: criteria provided, single submitter. Criteria: CeGaT Center For Human Genetics Tuebingen Variant Classification Criteria Version 2. Collection method: clinical testing. Allele origin: germline. Affected: yes. Observed: 3 variant alleles.
Comment: SGCD: BP4, BP7

Labcorp Genetics (formerly Invitae), Labcorp
Classification: Likely benign for Autosomal recessive limb-girdle muscular dystrophy type 2F. Last evaluated: 2026-02-04. Review status: criteria provided, single submitter. Criteria: Invitae Variant Classification Sherloc (09022015). Collection method: clinical testing. Allele origin: germline.

ARUP Laboratories, Molecular Genetics and Genomics, ARUP Laboratories
Classification: Likely benign. Last evaluated: 2025-05-09. Review status: criteria provided, single submitter. Criteria: ARUP Molecular Germline Variant Investigation Process 2024. Collection method: clinical testing. Allele origin: germline.

Blueprint Genetics
Classification: Likely benign. Last evaluated: 2024-10-17. Review status: criteria provided, single submitter. Criteria: ACMG Guidelines, 2015. Collection method: clinical testing. Allele origin: germline.

Mayo Clinic Laboratories, Mayo Clinic
Classification: Benign. Last evaluated: 2023-02-03. Review status: criteria provided, single submitter. Criteria: ACMG Guidelines, 2015. Collection method: clinical testing. Allele origin: germline. Observed: 9 variant alleles.
Comment: BS1, BS2, BP4, BP5, BP7

Ambry Genetics
Classification: Likely benign for Inborn genetic diseases. Last evaluated: 2022-05-27. Review status: criteria provided, single submitter. Criteria: Ambry Variant Classification Scheme 2023. Collection method: clinical testing. Allele origin: germline.

Athena Diagnostics
Classification: Benign. Last evaluated: 2020-11-16. Review status: criteria provided, single submitter. Criteria: Athena Diagnostics criteria. Collection method: clinical testing. Allele origin: unknown.

Women's Health and Genetics/Laboratory Corporation of America, LabCorp
Classification: Benign. Last evaluated: 2019-05-28. Review status: criteria provided, single submitter. Criteria: LabCorp Variant Classification Summary - May 2015. Collection method: clinical testing. Allele origin: germline.
Comment: Variant summary: SGCD c.213G>A alters a conserved nucleotide resulting in a synonymous change. 5/5 computational tools predict no significant impact on normal splicing. However, these predictions have yet to be confirmed by functional studies. The variant allele was found at a frequency of 0.0012 in 248064 control chromosomes in the gnomAD database, including 2 homozygotes. The observed variant frequency is approximately 48 fold of the estimated maximal expected allele frequency for a pathogenic variant in SGCD causing Cardiomyopathy phenotype (2.5e-05), strongly suggesting that the variant is benign. To our knowledge, no occurrence of c.213G>A in individuals affected with Cardiomyopathy and no experimental evidence demonstrating its impact on protein function have been reported. Five clinical diagnostic laboratories have submitted clinical-significance assessments for this variant to ClinVar after 2014 without evidence for independent evaluation, four of whom classified the variant as likely benign and one as a VUS. Based on the evidence outlined above, the variant was classified as benign.

CHEO Genetics Diagnostic Laboratory, Children's Hospital of Eastern Ontario
Classification: Benign for Cardiomyopathy. Last evaluated: 2019-03-04. Review status: criteria provided, single submitter. Criteria: ACMG Guidelines, 2015. Collection method: clinical testing. Allele origin: germline.

Illumina Laboratory Services, Illumina
Classification: Uncertain significance for Qualitative or quantitative defects of delta-sarcoglycan. Last evaluated: 2018-01-12. Review status: criteria provided, single submitter. Criteria: ICSL Variant Classification Criteria 13 December 2019. Collection method: clinical testing. Allele origin: germline.

Eurofins Ntd Llc (ga)
Classification: Uncertain significance. Last evaluated: 2015-08-25. Review status: criteria provided, single submitter. Criteria: EGL Classification Definitions 2015. Collection method: clinical testing. Allele origin: germline. Observed: 4 variant alleles, 4 heterozygotes.

Laboratory for Molecular Medicine, Mass General Brigham Personalized Medicine
Classification: Likely benign. Last evaluated: 2015-05-18. Review status: criteria provided, single submitter. Criteria: LMM Criteria. Collection method: clinical testing. Allele origin: germline. Observed: 9 variant alleles.
Comment: p.Arg71Arg in exon 4 of SGCD: This variant is not expected to have clinical sign ificance because it does not alter an amino acid residue and is not located with in the splice consensus sequence. It has been identified in 0.15% (95/64128) of European chromosomes by the Exome Aggregation Consortium (ExAC; dbSNP rs74846539).

GeneDx
Classification: Benign. Last evaluated: 2015-03-03. Review status: criteria provided, single submitter. Criteria: GeneDx Variant Classification Process June 2021. Collection method: clinical testing. Allele origin: germline. Affected: yes.

PreventionGenetics, part of Exact Sciences
Classification: Likely benign. Review status: criteria provided, single submitter. Criteria: ACMG Guidelines, 2015. Collection method: clinical testing. Allele origin: germline.

Clinical Genetics DNA and cytogenetics Diagnostics Lab, Erasmus MC, Erasmus Medical Center
Classification: Likely benign. Review status: no assertion criteria provided. Collection method: clinical testing. Allele origin: germline. Affected: yes. Study: VKGL Data-share Consensus. Not counted in ClinVar's aggregate classification.

Diagnostic Laboratory, Department of Genetics, University Medical Center Groningen
Classification: Likely benign. Review status: no assertion criteria provided. Collection method: clinical testing. Allele origin: germline. Affected: yes. Study: VKGL Data-share Consensus. Not counted in ClinVar's aggregate classification.

Genome Diagnostics Laboratory, University Medical Center Utrecht
Classification: Likely benign. Review status: no assertion criteria provided. Collection method: clinical testing. Allele origin: germline. Affected: yes. Study: VKGL Data-share Consensus. Not counted in ClinVar's aggregate classification.

Literature cited by the submitters: PubMed 24503780 (cited by Athena Diagnostics).